The following is an entry in ClinVar:

ClinVar aggregate classification (germline): Conflicting classifications of pathogenicity. Review status: criteria provided, conflicting classifications (1 of 4 stars). 11 submissions from 11 submitters: Uncertain significance (6); Benign (1); Likely benign (4). Last evaluated 2026-08-01.

Conditions:
Combined immunodeficiency due to LRBA deficiency. Also called: Common variable immunodeficiency 8, with autoimmunity. Identifiers: Orphanet 445018, MedGen C3553512, MONDO:0013863, OMIM 614700.

Allele frequency attached by ClinVar (database versions not stated): 1000 Genomes Project 0.00060; 1000 Genomes Project 30x 0.00078; ESP Exome Variant Server 0.00146; gnomAD 0.00196 and 0.00225; TOPMed 0.00203; gnomAD exomes 0.00212 and 0.00344; ExAC 0.00217.
gnomAD v4.1: 5,284 of 1,608,406 alleles (0.33%); highest among the groups gnomAD compares: Non-Finnish European, 0.42%; 9 homozygotes.

Submissions (11):

CeGaT Center for Human Genetics Tuebingen
Classification: Likely benign. Last evaluated: 2026-08-01. Review status: criteria provided, single submitter. Criteria: CeGaT Center For Human Genetics Tuebingen Variant Classification Criteria Version 2. Collection method: clinical testing. Allele origin: germline. Affected: yes. Observed: 18 variant alleles.
Comment: LRBA: BP4

Labcorp Genetics (formerly Invitae), Labcorp
Classification: Benign for Combined immunodeficiency due to LRBA deficiency. Last evaluated: 2026-02-01. Review status: criteria provided, single submitter. Criteria: Invitae Variant Classification Sherloc (09022015). Collection method: clinical testing. Allele origin: germline.

Blueprint Genetics
Classification: Likely benign. Last evaluated: 2024-11-20. Review status: criteria provided, single submitter. Criteria: ACMG Guidelines, 2015. Collection method: clinical testing. Allele origin: germline.

Women's Health and Genetics/Laboratory Corporation of America, LabCorp
Classification: Likely benign. Last evaluated: 2024-11-14. Review status: criteria provided, single submitter. Criteria: LabCorp Variant Classification Summary - May 2015. Collection method: clinical testing. Allele origin: germline.
Comment: Variant summary: LRBA c.1399A>G (p.Met467Val) results in a conservative amino acid change in the encoded protein sequence. Three of five in-silico tools predict a benign effect of the variant on protein function. The variant allele was found at a frequency of 0.0021 in 245372 control chromosomes, predominantly at a frequency of 0.004 within the Non-Finnish European subpopulation in the gnomAD database. The observed variant frequency within Non-Finnish European control individuals in the gnomAD database exceeds the estimated maximal expected allele frequency for a pathogenic variant in LRBA causing Common Variable Immunodeficiency 8, With Autoimmunity phenotype. c.1399A>G has been reported in the literature in individuals affected with Immunodeficiency (e.g. Maffucci_2016). These reports do not provide unequivocal conclusions about association of the variant with Common Variable Immunodeficiency 8, With Autoimmunity. To our knowledge, no experimental evidence demonstrating an impact on protein function has been reported. The following publication has been ascertained in the context of this evaluation (PMID: 27379089). ClinVar contains an entry for this variant (Variation ID: 287150). Based on the evidence outlined above, the variant was classified as likely benign.

Diagnostics Services (NGS), CSIR - Centre For Cellular And Molecular Biology
Classification: Uncertain significance for Combined immunodeficiency due to LRBA deficiency. Last evaluated: 2022-05-17. Review status: criteria provided, single submitter. Criteria: ACMG Guidelines, 2015. Collection method: clinical testing. Allele origin: unknown. Inheritance: Autosomal recessive inheritance. Affected: yes. Observed: 1 variant allele, 1 heterozygote.
Comment: The c.1399A>G variant is present in publicly available population databases like 1000 Genomes, EVS, ExAC and gnomAD, at a low frequency. The variant is not present in Indian Exome Database and our in-house exome database. The variant was previously reported to ClinVar (Accession: VCV000287150.24) with conflicitng interpretations of pathogencicity (Uncertain significance/likely benign/benign) in association with combined immunodeficiency due to LRBA deficiency. The variant was previously identified in similarly affected individuals (PMID: 27379089, 28956255) and reported to Human Genome Mutation Database (HGMD ID: CM167684). Predictions from different in-silico pathogenicity prediction programs like SIFT, PolyPhen-2, MutationTaster2, CADD etc. are contradictory, however these predictions were not confirmed by any published functional studies.

Institute for Clinical Genetics, University Hospital TU Dresden, University Hospital TU Dresden
Classification: Uncertain significance. Last evaluated: 2021-11-03. Review status: criteria provided, single submitter. Criteria: ACMG Guidelines, 2015. Collection method: clinical testing. Allele origin: germline.

ARUP Laboratories, Molecular Genetics and Genomics, ARUP Laboratories
Classification: Uncertain significance for Combined immunodeficiency due to LRBA deficiency. Last evaluated: 2021-01-15. Review status: criteria provided, single submitter. Criteria: ARUP Molecular Germline Variant Investigation Process 2021. Collection method: clinical testing. Allele origin: germline.
Comment: The LRBA c.1399A>G; p.Met467Val variant (rs116355217) is reported in the literature in an individual with common variable immunodeficiency that carried a second missense variant in LRBA (Maffucci 2016). The p.Met467Val variant is reported in ClinVar (Variation ID: 287150) and is found in the general population with an overall allele frequency of 0.22% (606/276772 alleles, including a single homozygote) in the Genome Aggregation Database. The methionine at codon 467 is moderately conserved, and computational analyses are uncertain whether this variant is neutral or deleterious (REVEL: 0.163). Due to limited information, the clinical significance of the p.Met467Val variant is uncertain at this time. References: Maffucci et al. Genetic Diagnosis Using Whole Exome Sequencing in Common Variable Immunodeficiency. Front Immunol. 2016 Jun 13;7:220.

Genetic Services Laboratory, University of Chicago
Classification: Uncertain significance. Last evaluated: 2020-06-01. Review status: criteria provided, single submitter. Criteria: ACMG Guidelines, 2015. Collection method: clinical testing. Allele origin: germline. Affected: no.
Comment: DNA sequence analysis of the LRBA gene demonstrated a sequence change, c.1399A>G, in exon 11 that results in an amino acid change, p.Met467Val. This sequence change has been described in the gnomAD database with a frequency of 0.4% in the European sub-population (dbSNP rs116355217). The p.Met467Va sequence change has been reported in one patient with common variable immunodeficiency who also had a second missense variant present in the LRBA gene, however functional and/or segregation studies were not performed to clarify the clinical significance of this sequence change (PMID: 27379089). The p.Met467Val change affects a moderately conserved amino acid residue located in a domain of the LRBA protein that is known to be functional. The p.Met467Val substitution appears to be benign using several in-silico pathogenicity prediction tools (SIFT, PolyPhen2, Align GVGD, REVEL). Due to the lack of functional studies, the clinical significance of the p.Met467Val change remains unknown at this time.

Baylor Genetics
Classification: Uncertain significance for Combined immunodeficiency due to LRBA deficiency. Last evaluated: 2019-01-15. Review status: criteria provided, single submitter. Criteria: ACMG Guidelines, 2015. Collection method: clinical testing. Allele origin: paternal. Affected: yes.
Comment: This variant was determined to be of uncertain significance according to ACMG Guidelines, 2015 [PMID:25741868].

Mayo Clinic Laboratories, Mayo Clinic
Classification: Uncertain significance for Combined immunodeficiency due to LRBA deficiency. Last evaluated: 2017-04-27. Review status: criteria provided, single submitter. Criteria: ACMG Guidelines, 2015. Collection method: clinical testing. Allele origin: paternal.

Eurofins Ntd Llc (ga)
Classification: Likely benign. Last evaluated: 2016-04-11. Review status: criteria provided, single submitter. Criteria: EGL Classification Definitions 2015. Collection method: clinical testing. Allele origin: germline. Observed: 1 variant allele, 1 heterozygote.

Literature cited by the submitters: PubMed 27379089 (cited by Women's Health and Genetics/Laboratory Corporation of America, LabCorp and Diagnostics Services (NGS), CSIR - Centre For Cellular And Molecular Biology); PubMed 28956255 (cited by Diagnostics Services (NGS), CSIR - Centre For Cellular And Molecular Biology).

NM_001364905.1(LRBA):c.1399A>G (p.Met467Val)

Gene: LRBA (LPS responsive beige-like anchor protein; minus strand). Cytogenetic location: 4q31.3.
Variant type: single nucleotide variant.
Coding change: c.1399A>G on transcript NM_001364905.1 (MANE Select); coding-DNA position 1399, A replaced by G.
Protein change: p.Met467Val; replaces methionine 467 with valine.
Molecular consequence: missense variant.
Genome position (GRCh38, 1-based): chr4:150,908,428, T>C on the plus strand (A>G on the coding strand, the complement: LRBA is on the minus strand). VCF-style: chr4-150908428-T-C. GRCh37 (hg19) VCF-style: chr4-151829580-T-C.
Other names: c.1399A>G (NM_001199282.1); c.1399A>G, p.Met467Val (NM_001199282.3, NM_001367550.1, NM_006726.5); short protein forms M467V.
Identifiers: ClinVar variation 287150 (VCV000287150.78), dbSNP rs116355217, ClinGen allele CA3103588.